The following is an entry in ClinVar:

ClinVar aggregate classification (germline): Likely pathogenic. Review status: criteria provided, multiple submitters, no conflicts (2 of 4 stars). 2 submissions from 2 submitters: Likely pathogenic (2). Last evaluated 2024-11-13.

Conditions:
Combined immunodeficiency with skin granulomas. Identifiers: Orphanet 157949, MedGen C2673536, MONDO:0009306, OMIM 233650.
Severe combined immunodeficiency, autosomal recessive, T cell-negative, B cell-negative, NK cell-positive. Also called: SCID, AR, T-cell negative, B-cell negative, NK cell-positive; Severe combined immunodeficiency due to complete RAG1/2 deficiency; SCID, T CELL-NEGATIVE, B CELL-NEGATIVE, NK CELL-POSITIVE. Identifiers: Orphanet 331206, MedGen C1832322, MONDO:0011086, OMIM 601457.
Histiocytic medullary reticulosis. Also called: Omenn syndrome; SEVERE COMBINED IMMUNODEFICIENCY WITH HYPEREOSINOPHILIA. Identifiers: Orphanet 39041, MedGen C2700553, MONDO:0011338, OMIM 603554.

gnomAD v4.1: 7 of 1,614,214 alleles (0.00043%); highest among the groups gnomAD compares: Non-Finnish European, 0.00051%; no homozygotes.

Submissions (2):

Natera, Inc.
Classification: Likely pathogenic for Omenn syndrome. Last evaluated: 2024-11-13. Review status: criteria provided, single submitter. Criteria: Natera Variant Classification Schema (03/2026). Collection method: clinical testing. Allele origin: germline.
Comment: The c.217C>G variant in RAG2 is a missense variant predicted to cause substitution of arginine to glycine at amino acid 73. This variant is rare in the general population with a frequency below the threshold expected for the associated phenotype(s). This variant has been observed in one or more individuals affected with the associated recessive disease, as either homozygous or compound heterozygous with a second variant (PMID: 32531373). A different variant at the same position has been determined to be Pathogenic or Likely Pathogenic. Computational prediction algorithms indicate this variant is likely to affect gene or protein function. Given the available evidence, this variant is classified as Likely Pathogenic.

Labcorp Genetics (formerly Invitae), Labcorp
Classification: Likely pathogenic for Combined immunodeficiency with skin granulomas; Severe combined immunodeficiency, autosomal recessive, T cell-negative, B cell-negative, NK cell-positive. Last evaluated: 2022-08-04. Review status: criteria provided, single submitter. Criteria: Invitae Variant Classification Sherloc (09022015). Collection method: clinical testing. Allele origin: germline.
Comment: In summary, the currently available evidence indicates that the variant is pathogenic, but additional data are needed to prove that conclusively. Therefore, this variant has been classified as Likely Pathogenic. This variant disrupts the p.Arg73 amino acid residue in RAG2. Other variant(s) that disrupt this residue have been determined to be pathogenic (PMID: 20603253, 24481607, 26476733; Invitae). This suggests that this residue is clinically significant, and that variants that disrupt this residue are likely to be disease-causing. Advanced modeling of protein sequence and biophysical properties (such as structural, functional, and spatial information, amino acid conservation, physicochemical variation, residue mobility, and thermodynamic stability) performed at Invitae indicates that this missense variant is expected to disrupt RAG2 protein function. This missense change has been observed in individual(s) with severe combined immunodeficiency due to RAG2 deficiency (PMID: 32531373). This variant is not present in population databases (gnomAD no frequency). This sequence change replaces arginine, which is basic and polar, with glycine, which is neutral and non-polar, at codon 73 of the RAG2 protein (p.Arg73Gly).

Literature cited by the submitters: PubMed 32531373 (cited by Natera, Inc. and Labcorp Genetics (formerly Invitae), Labcorp); PubMed 20603253 (cited by Labcorp Genetics (formerly Invitae), Labcorp); PubMed 24481607 (cited by Labcorp Genetics (formerly Invitae), Labcorp); PubMed 26476733 (cited by Labcorp Genetics (formerly Invitae), Labcorp).

NM_000536.4(RAG2):c.217C>G (p.Arg73Gly)

Gene: RAG2 (recombination activating 2; minus strand). Cytogenetic location: 11p12.
Variant type: single nucleotide variant.
Coding change: c.217C>G on transcript NM_000536.4 (MANE Select); coding-DNA position 217, C replaced by G.
Protein change: p.Arg73Gly; replaces arginine 73 with glycine.
Molecular consequence: missense variant.
Genome position (GRCh38, 1-based): chr11:36,593,952, G>C on the plus strand (C>G on the coding strand, the complement: RAG2 is on the minus strand). VCF-style: chr11-36593952-G-C. GRCh37 (hg19) VCF-style: chr11-36615502-G-C.
Other names: c.217C>G, p.Arg73Gly (NM_001243785.2, NM_001243786.2); c.217C>G (NM_000536.3); short protein forms R73G.
Identifiers: ClinVar variation 2098705 (VCV002098705.5), dbSNP rs193922574, ClinGen allele CA380144113.